The following is an entry in ClinVar:

ClinVar aggregate classification (germline): Uncertain significance (0 of 4 stars; one submission).

Submission:

ISCA site 1
Classification: Uncertain significance. Last evaluated: 2011-10-07. Review status: no assertion criteria provided. Collection method: clinical testing. Allele origin: maternal. Affected: yes. Observed: 1 variant allele.
Comment: Copy number variation identified through the course of routine clinical cytogenomic testing in postnatal populations. Clinical assertions have been curated as described in Kaminsky et al. 2011.

Copy number variation identified through the course of routine clinical cytogenomic testing in postnatal populations. Clinical assertions have been curated as described in Kaminsky, et al. 2011 (PubMed 21844811). For additional ClinGen data, please see nstd37.

GRCh38/hg38 9p24.1(chr9:6558442-6672439)x1

Genes: GLDC (glycine decarboxylase; minus strand), LOC111413010 (HNF4 motif-containing MPRA enhancer 135; plus strand), LOC113839554 (Sharpr-MPRA regulatory region 10661; plus strand), LOC126860573 (P300/CBP strongly-dependent group 1 enhancer GRCh37_chr9:6566198-6567397; plus strand), LOC130001537 (ATAC-STARR-seq lymphoblastoid active region 28187; plus strand) and 4 more. Cytogenetic location: 9p24.1.
Variant type: copy number loss.
Change: copy number 1 (one copy instead of two) of chr9:6,558,442-6,672,439 (114.0 kb, GRCh38 coordinates, 1-based), cytogenetic band 9p24.1.
Identifiers: ClinVar variation 155056 (VCV000155056.2).